The following is an entry in ClinVar:

ClinVar aggregate classification (germline): Uncertain significance. Review status: criteria provided, multiple submitters, no conflicts (2 of 4 stars). 2 submissions from 2 submitters: Uncertain significance (2). Last evaluated 2026-07-28.

Conditions:
Inborn genetic diseases. Identifiers: MedGen C0950123, MeSH D030342.

gnomAD v4.1: 1 of 1,614,210 alleles (0.000062%); highest among the groups gnomAD compares: Non-Finnish European, 0.000085%; no homozygotes.

Submissions (2):

Ambry Genetics
Classification: Uncertain significance for Inborn genetic diseases. Last evaluated: 2026-07-28. Review status: criteria provided, single submitter. Criteria: Ambry Variant Classification Scheme 2023. Collection method: clinical testing. Allele origin: germline.
Comment: The p.W524R variant (also known as c.1570T>A), located in coding exon 12 of the FANCG gene, results from a T to A substitution at nucleotide position 1570. The tryptophan at codon 524 is replaced by arginine, an amino acid with dissimilar properties. This amino acid position is conserved. In addition, the in silico prediction for this alteration is inconclusive. Based on the available evidence, the clinical significance of this variant remains unclear.

Blueprint Genetics
Classification: Uncertain significance. Last evaluated: 2019-08-11. Review status: criteria provided, single submitter. Criteria: ACMG Guidelines, 2015. Collection method: clinical testing. Allele origin: germline.

NM_004629.2(FANCG):c.1570T>A (p.Trp524Arg)

Gene: FANCG (FA complementation group G; minus strand). Cytogenetic location: 9p13.3.
Variant type: single nucleotide variant.
Coding change: c.1570T>A on transcript NM_004629.2 (MANE Select); coding-DNA position 1570, T replaced by A.
Protein change: p.Trp524Arg; replaces tryptophan 524 with arginine.
Molecular consequence: missense variant.
Genome position (GRCh38, 1-based): chr9:35,074,993, A>T on the plus strand (T>A on the coding strand, the complement: FANCG is on the minus strand). VCF-style: chr9-35074993-A-T. GRCh37 (hg19) VCF-style: chr9-35074990-A-T.
Other names: short protein forms W524R.
Identifiers: ClinVar variation 4903048 (VCV004903048.2).